The following is an entry in ClinVar:

ClinVar aggregate classification (germline): Uncertain significance (1 of 4 stars; one submission).

Submission:

Ambry Genetics
Classification: Uncertain significance. Last evaluated: 2022-10-18. Review status: criteria provided, single submitter. Criteria: Ambry Variant Classification Scheme 2023. Collection method: clinical testing. Allele origin: germline.
Comment: The c.1529_1530delTC variant, located in coding exon 12 of the RECQL gene, results from a deletion of two nucleotides at nucleotide positions 1529 to 1530, causing a translational frameshift with a predicted alternate stop codon (p.L510Hfs*7). This alteration is expected to result in loss of function by premature protein truncation or nonsense-mediated mRNA decay. The evidence for this gene-disease relationship is limited; therefore, the clinical significance of this alteration is unclear.

NM_002907.4(RECQL):c.1529_1530del (p.Leu510fs)

Gene: RECQL (RecQ like helicase; minus strand). Cytogenetic location: 12p12.1.
Variant type: Deletion.
Coding change: c.1529_1530del on transcript NM_002907.4 (MANE Select); coding-DNA positions 1529 to 1530, 2 bases deleted (TC; older notation c.1529_1530delTC).
Protein change: p.Leu510fs; shifts the reading frame from leucine 510.
Molecular consequence: frameshift variant.
Genome position (GRCh38, 1-based): chr12:21,471,565-21,471,566, GA deleted on the plus strand (TC on the coding strand, the reverse complement: RECQL is on the minus strand); deleting any 2 consecutive bases within chr12:21,471,565-21,471,567 gives the same sequence; the c. name uses the placement nearest the transcript's 3' end. VCF-style (leftmost placement, unchanged base first): chr12-21471564-TGA-T. GRCh37 (hg19) VCF-style: chr12-21624498-TGA-T.
Other names: c.1529_1530del, p.Leu510fs (NM_032941.3); short protein forms L510fs.
Identifiers: ClinVar variation 1774565 (VCV001774565.2), dbSNP rs2540321814, ClinGen allele CA2580085251.